The following is an entry in ClinVar:

ClinVar aggregate classification (germline): Conflicting classifications of pathogenicity. Review status: criteria provided, conflicting classifications (1 of 4 stars). 6 submissions from 6 submitters: Uncertain significance (5); Likely benign (1). Last evaluated 2026-01-14.

Conditions:
Mitochondrial complex IV deficiency, nuclear type 11. Also called: Mitochondrial complex 4 deficiency, nuclear type 11. Identifiers: MedGen C5436694, MONDO:0033645, OMIM 619054.
Inborn genetic diseases. Identifiers: MedGen C0950123, MeSH D030342.
Mitochondrial complex IV deficiency, nuclear type 1 (MC4DN1). Also called: COX DEFICIENCY; Mitochondrial complex IV deficiency; Complex 4 mitochondrial respiratory chain deficiency; Deficiency of mitochondrial respiratory chain complex4; Complex IV deficiency. Identifiers: MedGen C5435656, MONDO:0700250, OMIM 220110. Disease mechanism: loss of function.

Allele frequency attached by ClinVar (database versions not stated): 1000 Genomes Project 30x 0.00016; 1000 Genomes Project 0.00020; ExAC 0.00021; gnomAD exomes 0.00022 and 0.00056; TOPMed 0.00030; gnomAD 0.00033 and 0.00034; ESP Exome Variant Server 0.00038.
gnomAD v4.1: 842 of 1,587,388 alleles (0.053%); highest among the groups gnomAD compares: Non-Finnish European, 0.069%; no homozygotes.

Submissions (6):

GeneDx
Classification: Uncertain significance. Last evaluated: 2026-01-14. Review status: criteria provided, single submitter. Criteria: GeneDx Variant Classification Process June 2021. Collection method: clinical testing. Allele origin: germline. Affected: yes.
Comment: Reported in multiple individuals with COX20-related neurological features who also had another variant on the same allele (in cis) (PMID: 30656193); In silico analysis suggests that this missense variant does not alter protein structure/function; This variant is associated with the following publications: (PMID: 32999401, 36157077, 33238568, 32304865, 30656193)

Ambry Genetics
Classification: Likely benign for Inborn genetic diseases. Last evaluated: 2024-03-05. Review status: criteria provided, single submitter. Criteria: Ambry Variant Classification Scheme 2023. Collection method: clinical testing. Allele origin: germline.

Blueprint Genetics
Classification: Uncertain significance. Last evaluated: 2024-02-27. Review status: criteria provided, single submitter. Criteria: ACMG Guidelines, 2015. Collection method: clinical testing. Allele origin: germline.

Labcorp Genetics (formerly Invitae), Labcorp
Classification: Uncertain significance. Last evaluated: 2022-07-29. Review status: criteria provided, single submitter. Criteria: Invitae Variant Classification Sherloc (09022015). Collection method: clinical testing. Allele origin: germline.
Comment: This sequence change replaces glycine, which is neutral and non-polar, with serine, which is neutral and polar, at codon 114 of the COX20 protein (p.Gly114Ser). This variant is present in population databases (rs141476240, gnomAD 0.04%). This missense change has been observed in individual(s) with COX20-related conditions (PMID: 30656193). ClinVar contains an entry for this variant (Variation ID: 383939). Algorithms developed to predict the effect of missense changes on protein structure and function output the following: SIFT: "Tolerated"; PolyPhen-2: "Benign"; Align-GVGD: "Class C0". The serine amino acid residue is found in multiple mammalian species, which suggests that this missense change does not adversely affect protein function. In summary, the available evidence is currently insufficient to determine the role of this variant in disease. Therefore, it has been classified as a Variant of Uncertain Significance.

Fulgent Genetics
Classification: Uncertain significance for Mitochondrial complex IV deficiency, nuclear type 11. Last evaluated: 2022-01-28. Review status: criteria provided, single submitter. Criteria: ACMG Guidelines, 2015. Collection method: clinical testing. Allele origin: unknown.

Baylor Genetics
Classification: Uncertain significance for Mitochondrial complex IV deficiency, nuclear type 1. Last evaluated: 2018-11-28. Review status: criteria provided, single submitter. Criteria: ACMG Guidelines, 2015. Collection method: clinical testing. Allele origin: paternal. Affected: yes.
Comment: This variant was determined to be of uncertain significance according to ACMG Guidelines, 2015 [PMID:25741868].

Literature cited by the submitters: PubMed 30656193 (cited by Labcorp Genetics (formerly Invitae), Labcorp).

NM_198076.6(COX20):c.340G>A (p.Gly114Ser)

Gene: COX20 (cytochrome c oxidase assembly factor COX20; plus strand). Cytogenetic location: 1q44.
Variant type: single nucleotide variant.
Coding change: c.340G>A on transcript NM_198076.6 (MANE Select); coding-DNA position 340, G replaced by A.
Protein change: p.Gly114Ser; replaces glycine 114 with serine.
Molecular consequence: missense variant. On other transcripts: 3 prime UTR variant (1), non-coding transcript variant (3).
Genome position (GRCh38, 1-based): chr1:244,843,159, G>A. VCF-style: chr1-244843159-G-A. GRCh37 (hg19) VCF-style: chr1-245006461-G-A.
Other names: c.340G>A, p.Gly114Ser (NM_001312871.1); c.376G>A, p.Gly126Ser (NM_001312872.1); c.205G>A, p.Gly69Ser (NM_001312873.1); c.*150G>A (NM_001312874.1); short protein forms G114S, G69S, G126S.
Identifiers: ClinVar variation 383939 (VCV000383939.12), dbSNP rs141476240, ClinGen allele CA1486202.
Genomic context (GRCh38, chr1:244,843,159, plus strand): 5'-GAAATTAAAAAGAAGATATTATATGAAGGTACCCACCTCGATCCTGAAAGAAAACACAAC[G>A]GCAGCAGCAGCAATTGAACAATCTTGAGCATAGAAGTCAATGTAAACGAAGTTAAGATCA-3'
Protein context (NP_932342.1, residues 104-118): THLDPERKHN[Gly114Ser]SSSN